The following is an entry in ClinVar:

ClinVar aggregate classification (germline): Uncertain significance (1 of 4 stars; one submission).

Conditions:
Developmental and epileptic encephalopathy, 54. Also called: Epileptic encephalopathy, early infantile, 54; HNRNPU-Related Neurodevelopmental Disorder. Identifiers: MedGen C4479319, MONDO:0033363, OMIM 617391.

Submission:

Labcorp Genetics (formerly Invitae), Labcorp
Classification: Uncertain significance for Developmental and epileptic encephalopathy, 54. Last evaluated: 2024-03-20. Review status: criteria provided, single submitter. Criteria: Invitae Variant Classification Sherloc (09022015). Collection method: clinical testing. Allele origin: germline.
Comment: This variant, c.632_649dup, results in the insertion of 6 amino acid(s) of the HNRNPU protein (p.Gly211_Ala216dup), but otherwise preserves the integrity of the reading frame. This variant is not present in population databases (gnomAD no frequency). This variant has not been reported in the literature in individuals affected with HNRNPU-related conditions. In summary, the available evidence is currently insufficient to determine the role of this variant in disease. Therefore, it has been classified as a Variant of Uncertain Significance.

NM_031844.3(HNRNPU):c.632_649dup (p.Ala216_Glu217insGlyGlyLysLysLysAla)

Gene: HNRNPU (heterogeneous nuclear ribonucleoprotein U; minus strand). Cytogenetic location: 1q44.
Variant type: Duplication.
Coding change: c.632_649dup on transcript NM_031844.3 (MANE Select); coding-DNA positions 632 to 649, 18 bases duplicated (GAGGTAAGAAGAAGGCGG).
Protein change: p.Ala216_Glu217insGlyGlyLysLysLysAla.
Molecular consequence: splice donor variant (on NM_004501.3).
Genome position (GRCh38, 1-based): chr1:244,863,659-244,863,676, CCGCCTTCTTCTTACCTC duplicated on the plus strand (GAGGTAAGAAGAAGGCGG on the coding strand, the reverse complement: HNRNPU is on the minus strand); duplicating any 18 consecutive bases within chr1:244,863,659-244,863,682 gives the same sequence; the c. name uses the placement nearest the transcript's 3' end. VCF-style (leftmost placement, unchanged base first): chr1-244863658-T-TCCGCCTTCTTCTTACCTC. GRCh37 (hg19) VCF-style: chr1-245026960-T-TCCGCCTTCTTCTTACCTC.
Other names: c.632_634+15dup (NM_004501.3).
Identifiers: ClinVar variation 3646959 (VCV003646959.2).